The following is an entry in ClinVar:

ClinVar aggregate classification (germline): Benign/Likely benign. Review status: criteria provided, multiple submitters, no conflicts (2 of 4 stars). 3 submissions from 3 submitters: Benign (2); Likely benign (1). Last evaluated 2026-01-05.

Submissions (4):

Labcorp Genetics (formerly Invitae), Labcorp
Classification: Benign. Last evaluated: 2026-01-05. Review status: criteria provided, single submitter. Criteria: Invitae Variant Classification Sherloc (09022015). Collection method: clinical testing. Allele origin: germline.

CeGaT Center for Human Genetics Tuebingen
Classification: Benign. Last evaluated: 2025-07-01. Review status: criteria provided, single submitter. Criteria: CeGaT Center For Human Genetics Tuebingen Variant Classification Criteria Version 2. Collection method: clinical testing. Allele origin: germline. Affected: yes. Observed: 2 variant alleles.
Comment: ANK3: BP4, BS1, BS2

Genetic Services Laboratory, University of Chicago
Classification: Likely benign. Last evaluated: 2019-03-13. Review status: criteria provided, single submitter. Criteria: ACMG Guidelines, 2015. Collection method: clinical testing. Allele origin: germline. Affected: no.

Dr. Peter K. Rogan Lab, Western University
No classification provided (evidence only). Condition: Colon adenocarcinoma. Review status: no classification provided. Collection method: in vitro. Allele origin: not applicable. Functional consequence: retained intron. Not counted in ClinVar's aggregate classification.

NM_020987.5(ANK3):c.2614+6del

Gene: ANK3 (ankyrin 3; minus strand). Cytogenetic location: 10q21.2.
Variant type: Deletion.
Coding change: c.2614+6del on transcript NM_020987.5 (MANE Select); 6 bases into the intron after coding-DNA position 2614, one base deleted (T; older notation c.2614+6delT).
Molecular consequence: intron variant.
Genome position (GRCh38, 1-based): chr10:60,166,585, A deleted on the plus strand (T on the coding strand, the reverse complement: ANK3 is on the minus strand); the first of 3 consecutive A bases (chr10:60,166,585-60,166,587); deleting any one gives the same sequence. VCF-style (leftmost placement, unchanged base first): chr10-60166584-CA-C. GRCh37 (hg19) VCF-style: chr10-61926342-CA-C.
Other names: NC_000010.10:g.61926345del; c.2596+6del (NM_001204403.2); c.2563+6del (NM_001204404.2); c.2614+6del (NM_001320874.2); c.2614+4del (NM_020987.5).
Identifiers: ClinVar variation 128367 (VCV000128367.40), dbSNP rs370950407, ClinGen allele CA230878.